The following is an entry in ClinVar:

ClinVar aggregate classification (germline): Likely pathogenic (1 of 4 stars; one submission).

Conditions:
Wilson disease (WND). Also called: Wilson's disease. Identifiers: Orphanet 905, MedGen C0019202, MONDO:0010200, OMIM 277900. Disease mechanism: loss of function.

Submission:

Labcorp Genetics (formerly Invitae), Labcorp
Classification: Likely pathogenic for Wilson disease. Last evaluated: 2025-10-13. Review status: criteria provided, single submitter. Criteria: Invitae Variant Classification Sherloc (09022015). Collection method: clinical testing. Allele origin: germline.
Comment: This sequence change affects a donor splice site in intron 8 of the ATP7B gene. It is expected to disrupt RNA splicing. Variants that disrupt the donor or acceptor splice site typically lead to a loss of protein function (PMID: 16199547), and loss-of-function variants in ATP7B are known to be pathogenic (PMID: 10441329, 16283883). This variant is not present in population databases (gnomAD no frequency). This variant has not been reported in the literature in individuals affected with ATP7B-related conditions. Algorithms developed to predict the effect of sequence changes on RNA splicing suggest that this variant may disrupt the consensus splice site. In summary, the currently available evidence indicates that the variant is pathogenic, but additional data are needed to prove that conclusively. Therefore, this variant has been classified as Likely Pathogenic.

Literature cited by the submitters: PubMed 16199547; PubMed 10441329; PubMed 16283883.

NM_000053.4(ATP7B):c.2355+1G>C

Gene: ATP7B (ATPase copper transporting beta; minus strand). Cytogenetic location: 13q14.3.
Variant type: single nucleotide variant.
Coding change: c.2355+1G>C on transcript NM_000053.4 (MANE Select); the canonical splice donor site of the intron after coding-DNA position 2355, G replaced by C.
Molecular consequence: splice donor variant. On other transcripts: intron variant (14).
Genome position (GRCh38, 1-based): chr13:51,958,310, C>G on the plus strand (G>C on the coding strand, the complement: ATP7B is on the minus strand). VCF-style: chr13-51958310-C-G. GRCh37 (hg19) VCF-style: chr13-52532446-C-G.
Other names: c.2122-703G>C (NM_001406527.1, NM_001406528.1, NM_001406534.1 and 2 more transcripts); c.2211+1G>C (NM_001406537.1, NM_001406521.1, NM_001406522.1 and 1 more transcripts); c.2355+1G>C (NM_001406513.1, NM_001406511.1, NM_001406516.1 and 7 more transcripts); c.2007+1G>C (NM_001406543.1); c.2103+1G>C (NM_001406532.1, NM_001406540.1, NM_001330579.2 and 1 more transcripts); c.2022+1G>C (NM_001243182.2); c.1286-8149G>C (NM_001406548.1); c.2178+1G>C (NM_001406524.1); and 8 more.
Identifiers: ClinVar variation 4729134 (VCV004729134.1).